The following is an entry in ClinVar:

NM_182961.4(SYNE1):c.9262G>A (p.Ala3088Thr)

Gene: SYNE1 (spectrin repeat containing nuclear envelope protein 1; minus strand). Cytogenetic location: 6q25.2.
Variant type: single nucleotide variant.
Coding change: c.9262G>A on transcript NM_182961.4 (MANE Select); coding-DNA position 9262, G replaced by A.
Protein change: p.Ala3088Thr; replaces alanine 3088 with threonine.
Molecular consequence: missense variant.
Genome position (GRCh38, 1-based): chr6:152,376,443, C>T on the plus strand (G>A on the coding strand, the complement: SYNE1 is on the minus strand). VCF-style: chr6-152376443-C-T. GRCh37 (hg19) VCF-style: chr6-152697578-C-T.
Other names: c.9262G>A (NM_182961.2); c.9283G>A, p.Ala3095Thr (NM_033071.5); short protein forms A3088T, A3095T.
Identifiers: ClinVar variation 242649 (VCV000242649.12), dbSNP rs398123005, ClinGen allele CA045916.

ClinVar aggregate classification (germline): Uncertain significance. Review status: criteria provided, multiple submitters, no conflicts (2 of 4 stars). 4 submissions from 4 submitters: Uncertain significance (4). Last evaluated 2025-05-21.

Conditions:
Autosomal recessive ataxia, Beauce type. Also called: ATAXIA, RECESSIVE, OF BEAUCE; SYNE1-Related Autosomal Recessive Cerebellar Ataxia; Spinocerebellar ataxia, autosomal recessive 8; SYNE1 Deficiency. Identifiers: Orphanet 88644, MedGen C1853116, MONDO:0012549, OMIM 610743.
Emery-Dreifuss muscular dystrophy 4, autosomal dominant (EDMD4). Also called: EMERY-DREIFUSS MUSCULAR DYSTROPHY 4 WITH VARIABLE FEATURES. Identifiers: Orphanet 261, MedGen C2751807, MONDO:0013071, OMIM 612998.

Allele frequency attached by ClinVar (database versions not stated): TOPMed 0.00008; ExAC 0.00009; gnomAD 0.00009; gnomAD exomes 0.00010 and 0.00013.
gnomAD v4.1: 212 of 1,614,012 alleles (0.013%); highest among the groups gnomAD compares: Middle Eastern, 0.016%; no homozygotes.

Submissions (4):

GeneDx
Classification: Uncertain significance. Last evaluated: 2025-05-21. Review status: criteria provided, single submitter. Criteria: GeneDx Variant Classification Process June 2021. Collection method: clinical testing. Allele origin: germline. Affected: yes.
Comment: Reported with two other SYNE1 variants in siblings with mild intellectual disability, spastic paraplegia, axon neuropathy, and leukencephalopathy in published literature (PMID: 24123876); In silico analysis suggests that this missense variant does not alter protein structure/function; Also known as A3088T due to the use of alternative nomenclature; This variant is associated with the following publications: (PMID: 24123876)

Labcorp Genetics (formerly Invitae), Labcorp
Classification: Uncertain significance for Emery-Dreifuss muscular dystrophy 4, autosomal dominant; Autosomal recessive ataxia, Beauce type. Last evaluated: 2022-07-11. Review status: criteria provided, single submitter. Criteria: Invitae Variant Classification Sherloc (09022015). Collection method: clinical testing. Allele origin: germline.
Comment: This sequence change replaces alanine, which is neutral and non-polar, with threonine, which is neutral and polar, at codon 3095 of the SYNE1 protein (p.Ala3095Thr). This variant is present in population databases (rs398123005, gnomAD 0.01%). This missense change has been observed in individual(s) with spastic paraplegia, mild intellectual disability, axonal neuropathy, and leukoencephalopathy in a (PMID: 24123876). This variant is also known as Ala3088Thr. ClinVar contains an entry for this variant (Variation ID: 242649). Algorithms developed to predict the effect of missense changes on protein structure and function (SIFT, PolyPhen-2, Align-GVGD) all suggest that this variant is likely to be disruptive. In summary, the available evidence is currently insufficient to determine the role of this variant in disease. Therefore, it has been classified as a Variant of Uncertain Significance.

Revvity Omics, Revvity
Classification: Uncertain significance. Last evaluated: 2021-11-05. Review status: criteria provided, single submitter. Criteria: ACMG Guidelines, 2015. Collection method: clinical testing. Allele origin: germline.

Athena Diagnostics
Classification: Uncertain significance. Last evaluated: 2020-12-10. Review status: criteria provided, single submitter. Criteria: Athena Diagnostics criteria. Collection method: clinical testing. Allele origin: unknown.

Literature cited by the submitters: PubMed 24123876 (cited by Labcorp Genetics (formerly Invitae), Labcorp and Athena Diagnostics).